The following is an entry in ClinVar:

NM_033517.1:c.2908G>C

Gene: SHANK3 (SH3 and multiple ankyrin repeat domains 3; plus strand).
Variant type: single nucleotide variant.
Other names: c.2908G>C (NM_033517.1).
Identifiers: ClinVar variation 4690012 (VCV004690012.1).

ClinVar aggregate classification (germline): Uncertain significance (1 of 4 stars; one submission).

Submission:

GeneDx
Classification: Uncertain significance. Last evaluated: 2025-08-01. Review status: criteria provided, single submitter. Criteria: GeneDx Variant Classification Process June 2021. Collection method: clinical testing. Allele origin: germline. Affected: yes.
Comment: Not observed at significant frequency in large population cohorts (gnomAD); In silico analysis suggests that this missense variant does not alter protein structure/function; Has not been previously published as pathogenic or benign to our knowledge